The following is an entry in ClinVar:

ClinVar aggregate classification (germline): Benign/Likely benign. Review status: criteria provided, multiple submitters, no conflicts (2 of 4 stars). 9 submissions from 9 submitters: Benign (6); Likely benign (3). Last evaluated 2026-01-26.

Conditions:
Inborn genetic diseases. Identifiers: MedGen C0950123, MeSH D030342.
Developmental and epileptic encephalopathy, 12 (DEE12). Identifiers: MedGen C3150988, MONDO:0013389, OMIM 613722.

Allele frequency attached by ClinVar (database versions not stated): gnomAD exomes 0.00062 and 0.00190; ExAC 0.00228; gnomAD 0.00666 and 0.00721; TOPMed 0.00731; 1000 Genomes Project 0.00799; ESP Exome Variant Server 0.00853; 1000 Genomes Project 30x 0.00859.

Submissions (11):

Labcorp Genetics (formerly Invitae), Labcorp
Classification: Benign for Developmental and epileptic encephalopathy, 12. Last evaluated: 2026-01-26. Review status: criteria provided, single submitter. Criteria: Invitae Variant Classification Sherloc (09022015). Collection method: clinical testing. Allele origin: germline.

GeneDx
Classification: Likely benign. Last evaluated: 2025-05-14. Review status: criteria provided, single submitter. Criteria: GeneDx Variant Classification Process June 2021. Collection method: clinical testing. Allele origin: germline. Affected: yes.
Comment: See Variant Classification Assertion Criteria.

ARUP Laboratories, Molecular Genetics and Genomics, ARUP Laboratories
Classification: Benign for Developmental and epileptic encephalopathy, 12. Last evaluated: 2024-09-17. Review status: criteria provided, single submitter. Criteria: ARUP Molecular Germline Variant Investigation Process 2024. Collection method: clinical testing. Allele origin: germline.

Illumina Laboratory Services, Illumina
Classification: Benign for Developmental and epileptic encephalopathy, 12. Last evaluated: 2018-01-12. Review status: criteria provided, single submitter. Criteria: ICSL Variant Classification Criteria 13 December 2019. Collection method: clinical testing. Allele origin: germline.
Comment: This variant was observed in the ICSL laboratory as part of a predisposition screen in an ostensibly healthy population. It had not been previously curated by ICSL or reported in the Human Gene Mutation Database (HGMD: prior to June 1st, 2018), and was therefore a candidate for classification through an automated scoring system. Utilizing variant allele frequency, disease prevalence and penetrance estimates, and inheritance mode, an automated score was calculated to assess if this variant is too frequent to cause the disease. Based on the score and internal cut-off values, a variant classified as benign is not then subjected to further curation. The score for this variant resulted in a classification of benign for this disease.

Center for Pediatric Genomic Medicine, Children's Mercy Hospital and Clinics
Classification: Likely benign. Last evaluated: 2017-08-11. Review status: criteria provided, single submitter. Criteria: ACMG Guidelines, 2015. Collection method: clinical testing. Allele origin: germline.

Athena Diagnostics
Classification: Benign. Last evaluated: 2017-06-26. Review status: criteria provided, single submitter. Criteria: Athena Diagnostics Criteria. Collection method: clinical testing. Allele origin: germline.

Genetic Services Laboratory, University of Chicago
Classification: Benign. Last evaluated: 2016-07-18. Review status: criteria provided, single submitter. Criteria: ACMG Guidelines, 2015. Collection method: clinical testing. Allele origin: germline. Affected: no.

Ambry Genetics
Classification: Benign for Inborn genetic diseases. Last evaluated: 2016-06-24. Review status: criteria provided, single submitter. Criteria: Ambry Variant Classification Scheme 2023. Collection method: clinical testing. Allele origin: germline.

Breakthrough Genomics
Classification: Likely benign. Review status: criteria provided, single submitter. Criteria: ACMG Guidelines, 2015. Collection method: not provided. Allele origin: germline. Inheritance: Autosomal recessive inheritance. Affected: yes.

Dr. Peter K. Rogan Lab, Western University
No classification provided (evidence only). Condition: Clear cell carcinoma of kidney. Review status: no classification provided. Collection method: in vitro. Allele origin: not applicable. Functional consequence: retained intron. Not counted in ClinVar's aggregate classification.

Dr. Peter K. Rogan Lab, Western University
No classification provided (evidence only). Condition: Ovarian serous cystadenocarcinoma. Review status: no classification provided. Collection method: in vitro. Allele origin: not applicable. Functional consequence: retained intron. Not counted in ClinVar's aggregate classification.

NM_015192.4(PLCB1):c.458A>T (p.Glu153Val)

Gene: PLCB1 (phospholipase C beta 1; plus strand). Cytogenetic location: 20p12.3.
Variant type: single nucleotide variant.
Coding change: c.458A>T on transcript NM_015192.4 (MANE Select); coding-DNA position 458, A replaced by T.
Protein change: p.Glu153Val; replaces glutamic acid 153 with valine.
Molecular consequence: missense variant.
Genome position (GRCh38, 1-based): chr20:8,646,175, A>T. VCF-style: chr20-8646175-A-T. GRCh37 (hg19) VCF-style: chr20-8626822-A-T.
Other names: c.458A>T, p.Glu153Val (NM_182734.3); short protein forms E153V.
Identifiers: ClinVar variation 129898 (VCV000129898.33), dbSNP rs45496299, ClinGen allele CA154255.